The following is an entry in ClinVar:

NM_002755.4(MAP2K1):c.853G>A (p.Glu285Lys)

Gene: MAP2K1 (mitogen-activated protein kinase kinase 1; plus strand). Cytogenetic location: 15q22.31.
Variant type: single nucleotide variant.
Coding change: c.853G>A on transcript NM_002755.4 (MANE Select); coding-DNA position 853, G replaced by A.
Protein change: p.Glu285Lys; replaces glutamic acid 285 with lysine.
Molecular consequence: missense variant.
Genome position (GRCh38, 1-based): chr15:66,485,149, G>A. VCF-style: chr15-66485149-G-A. GRCh37 (hg19) VCF-style: chr15-66777487-G-A.
Other names: short protein forms E285K.
Identifiers: ClinVar variation 835232 (VCV000835232.9), dbSNP rs1893007795, ClinGen allele CA392937359.

ClinVar aggregate classification (germline): Uncertain significance (1 of 4 stars; one submission).

Conditions:
RASopathy. Also called: rasopathies; Noonan spectrum disorder. Identifiers: Orphanet 536391, MedGen C5555857, MONDO:0021060.

Submission:

Labcorp Genetics (formerly Invitae), Labcorp
Classification: Uncertain significance for RASopathy. Last evaluated: 2024-01-02. Review status: criteria provided, single submitter. Criteria: Invitae Variant Classification Sherloc (09022015). Collection method: clinical testing. Allele origin: germline.
Comment: This sequence change replaces glutamic acid, which is acidic and polar, with lysine, which is basic and polar, at codon 285 of the MAP2K1 protein (p.Glu285Lys). This variant is not present in population databases (gnomAD no frequency). This variant has not been reported in the literature in individuals affected with MAP2K1-related conditions. ClinVar contains an entry for this variant (Variation ID: 835232). Advanced modeling of protein sequence and biophysical properties (such as structural, functional, and spatial information, amino acid conservation, physicochemical variation, residue mobility, and thermodynamic stability) performed at Invitae indicates that this missense variant is not expected to disrupt MAP2K1 protein function with a negative predictive value of 95%. In summary, the available evidence is currently insufficient to determine the role of this variant in disease. Therefore, it has been classified as a Variant of Uncertain Significance.